The following is an entry in ClinVar:

ClinVar aggregate classification (germline): Uncertain significance (1 of 4 stars; one submission).

Conditions:
Holocarboxylase synthetase deficiency. Also called: MULTIPLE CARBOXYLASE DEFICIENCY, EARLY ONSET. Identifiers: Orphanet 79242, MedGen C0268581, MONDO:0009666, OMIM 253270.

Allele frequency attached by ClinVar (database versions not stated): gnomAD exomes 0.00001; ExAC 0.00002; ESP Exome Variant Server 0.00008.
gnomAD v4.1: 11 of 1,614,096 alleles (0.00068%); highest among the groups gnomAD compares: Admixed American, 0.0017%; no homozygotes.

Submission:

Labcorp Genetics (formerly Invitae), Labcorp
Classification: Uncertain significance for Holocarboxylase synthetase deficiency. Last evaluated: 2022-02-01. Review status: criteria provided, single submitter. Criteria: Invitae Variant Classification Sherloc (09022015). Collection method: clinical testing. Allele origin: germline.
Comment: This sequence change replaces arginine, which is basic and polar, with histidine, which is basic and polar, at codon 480 of the HLCS protein (p.Arg480His). This variant is present in population databases (rs143218701, gnomAD 0.003%). This variant has not been reported in the literature in individuals affected with HLCS-related conditions. Advanced modeling of protein sequence and biophysical properties (such as structural, functional, and spatial information, amino acid conservation, physicochemical variation, residue mobility, and thermodynamic stability) performed at Invitae indicates that this missense variant is not expected to disrupt HLCS protein function. In summary, the available evidence is currently insufficient to determine the role of this variant in disease. Therefore, it has been classified as a Variant of Uncertain Significance.

NM_001352514.2(HLCS):c.1880G>A (p.Arg627His)

Gene: HLCS (holocarboxylase synthetase; minus strand). Cytogenetic location: 21q22.13.
Variant type: single nucleotide variant.
Coding change: c.1880G>A on transcript NM_001352514.2 (MANE Select); coding-DNA position 1880, G replaced by A.
Protein change: p.Arg627His; replaces arginine 627 with histidine.
Molecular consequence: missense variant. On other transcripts: non-coding transcript variant (2).
Genome position (GRCh38, 1-based): chr21:36,896,872, C>T on the plus strand (G>A on the coding strand, the complement: HLCS is on the minus strand). VCF-style: chr21-36896872-C-T. GRCh37 (hg19) VCF-style: chr21-38269172-C-T.
Other names: c.1439G>A, p.Arg480His (NM_000411.8, NM_001242784.3, NM_001242785.2 and 4 more transcripts); short protein forms R480H, R627H.
Identifiers: ClinVar variation 2145929 (VCV002145929.1), dbSNP rs143218701, ClinGen allele CA10020447.
Genomic context (GRCh38, chr21:36,896,872, plus strand): 5'-AATGGAACAGGACTCCTCTGAGCAGATGCAGACCTGCTCACACCTTACCCATCCAGGAGA[C>T]GCATCGTTGTGGGGGTCACTTCGGCAAACAAAATTACTTTCCCCAACTGCTTGGTCTGCA-3'
Protein context (NP_001339443.1, residues 617-637): LFAEVTPTTM[Arg627His]LLDGLMFQTP